The following is an entry in ClinVar:

ClinVar aggregate classification (germline): Likely pathogenic (1 of 4 stars; one submission).

Conditions:
Syndromic X-linked intellectual disability Najm type (MICPCH). Also called: Mental retardation and microcephaly with pontine and cerebellar hypoplasia; MENTAL RETARDATION, X-LINKED, SYNDROMIC, NAJM TYPE; Intellectual Disability and Microcephaly with Pontine and Cerebellar Hypoplasia (MICPCH); Intellectual Disability and Microcephaly with Pontine and Cerebellar Hypoplasia; MICPCH SYNDROME; Intellectual developmental disorder and microcephaly with pontine and cerebellar hypoplasia. Identifiers: Orphanet 163937, MedGen C2677903, MONDO:0010417, OMIM 300749.

Submission:

3billion
Classification: Likely pathogenic for Syndromic X-linked intellectual disability Najm type. Last evaluated: 2023-02-23. Review status: criteria provided, single submitter. Criteria: ACMG Guidelines, 2015. Collection method: clinical testing. Allele origin: unknown. Affected: yes.
Comment: The variant is not observed in the gnomAD v2.1.1 dataset. This variant was predicted to alter splicing and result in a loss or disruption of normal protein function. Multiple pathogenic loss-of-function variants are reported downstream of the variant. Therefore, this variant is classified as Likely pathogenic according to the recommendation of ACMG/AMP guideline.

NM_001367721.1(CASK):c.2169A>G (p.Leu723=)

Gene: CASK (calcium/calmodulin dependent serine protein kinase; minus strand). Cytogenetic location: Xp11.4.
Variant type: single nucleotide variant.
Coding change: c.2169A>G on transcript NM_001367721.1 (MANE Select); coding-DNA position 2169, A replaced by G.
Protein change: p.Leu723=; no amino-acid change (leucine 723 retained).
Molecular consequence: synonymous variant. On other transcripts: splice acceptor variant (2).
Genome position (GRCh38, 1-based): chrX:41,534,960, T>C on the plus strand (A>G on the coding strand, the complement: CASK is on the minus strand). VCF-style: chrX-41534960-T-C. GRCh37 (hg19) VCF-style: chrX-41394213-T-C.
Other names: c.2082A>G, p.Leu694= (NM_001126055.3); c.2151A>G, p.Leu717= (NM_001410745.1); c.2087-2A>G (NM_001126054.3); c.2156-2A>G (NM_003688.4).
Identifiers: ClinVar variation 2444142 (VCV002444142.1), dbSNP rs2519702084, ClinGen allele CA412991960.